The following is an entry in ClinVar:

ClinVar aggregate classification (germline): Uncertain significance. Review status: criteria provided, multiple submitters, no conflicts (2 of 4 stars). 2 submissions from 2 submitters: Uncertain significance (2). Last evaluated 2023-09-22.

Conditions:
Hereditary spastic paraplegia. Also called: Familial spastic paraparesis. Identifiers: Orphanet 685, MedGen C0037773, MONDO:0019064. Disease mechanism: loss of function.
Progressive sclerosing poliodystrophy (MTDPS4A). Also called: NEURONAL DEGENERATION OF CHILDHOOD WITH LIVER DISEASE, PROGRESSIVE; Alpers Syndrome; ALPERS DIFFUSE DEGENERATION OF CEREBRAL GRAY MATTER WITH HEPATIC CIRRHOSIS; Alpers-Huttenlocher Syndrome; Mitochondrial DNA depletion syndrome 4A (Alpers type); Mitochondrial DNA Depletion Syndrome 4A. Identifiers: Orphanet 726, MedGen C0205710, MONDO:0008758, OMIM 203700.

Allele frequency attached by ClinVar (database versions not stated): gnomAD 0.00001; gnomAD exomes 0.00001 and 0.00002.
gnomAD v4.1: 31 of 1,558,792 alleles (0.002%); highest among the groups gnomAD compares: Non-Finnish European, 0.0025%; no homozygotes.

Submissions (2):

Labcorp Genetics (formerly Invitae), Labcorp
Classification: Uncertain significance for Progressive sclerosing poliodystrophy. Last evaluated: 2023-09-22. Review status: criteria provided, single submitter. Criteria: Invitae Variant Classification Sherloc (09022015). Collection method: clinical testing. Allele origin: germline.
Comment: In summary, the available evidence is currently insufficient to determine the role of this variant in disease. Therefore, it has been classified as a Variant of Uncertain Significance. Advanced modeling of protein sequence and biophysical properties (such as structural, functional, and spatial information, amino acid conservation, physicochemical variation, residue mobility, and thermodynamic stability) has been performed at Invitae for this missense variant, however the output from this modeling did not meet the statistical confidence thresholds required to predict the impact of this variant on POLG protein function. ClinVar contains an entry for this variant (Variation ID: 1343945). This variant has not been reported in the literature in individuals affected with POLG-related conditions. This variant is present in population databases (no rsID available, gnomAD 0.002%). This sequence change replaces alanine, which is neutral and non-polar, with valine, which is neutral and non-polar, at codon 160 of the POLG protein (p.Ala160Val).

Genome Diagnostics Laboratory, The Hospital for Sick Children
Classification: Uncertain significance for Hereditary spastic paraplegia. Last evaluated: 2019-02-01. Review status: criteria provided, single submitter. Criteria: ACMG Guidelines, 2015. Collection method: clinical testing. Allele origin: germline. Affected: yes.

NM_002693.3(POLG):c.479C>T (p.Ala160Val)

Genes: POLG (DNA polymerase gamma, catalytic subunit; minus strand), POLGARF (POLG alternative reading frame; minus strand). Cytogenetic location: 15q26.1.
Variant type: single nucleotide variant.
Coding change: c.479C>T on transcript NM_002693.3 (MANE Select); coding-DNA position 479, C replaced by T.
Protein change: p.Ala160Val; replaces alanine 160 with valine.
Molecular consequence: missense variant.
Genome position (GRCh38, 1-based): chr15:89,333,276, G>A on the plus strand (C>T on the coding strand, the complement: POLG is on the minus strand). VCF-style: chr15-89333276-G-A. GRCh37 (hg19) VCF-style: chr15-89876507-G-A.
Other names: c.479C>T, p.Ala160Val (NM_001126131.2); short protein forms A160V.
Identifiers: ClinVar variation 1343945 (VCV001343945.6), dbSNP rs1304711656, ClinGen allele CA393771382.